The following is an entry in ClinVar:

ClinVar aggregate classification (germline): Uncertain significance (1 of 4 stars; one submission).

gnomAD v4.1: 3 of 1,613,968 alleles (0.00019%); highest among the groups gnomAD compares: Admixed American, 0.0017%; no homozygotes.

Submission:

Labcorp Genetics (formerly Invitae), Labcorp
Classification: Uncertain significance. Last evaluated: 2024-11-06. Review status: criteria provided, single submitter. Criteria: Invitae Variant Classification Sherloc (09022015). Collection method: clinical testing. Allele origin: germline.
Comment: This sequence change replaces alanine, which is neutral and non-polar, with valine, which is neutral and non-polar, at codon 986 of the SETD5 protein (p.Ala986Val). This variant is present in population databases (no rsID available, gnomAD 0.003%). This variant has not been reported in the literature in individuals affected with SETD5-related conditions. Invitae Evidence Modeling of protein sequence and biophysical properties (such as structural, functional, and spatial information, amino acid conservation, physicochemical variation, residue mobility, and thermodynamic stability) indicates that this missense variant is not expected to disrupt SETD5 protein function with a negative predictive value of 80%. In summary, the available evidence is currently insufficient to determine the role of this variant in disease. Therefore, it has been classified as a Variant of Uncertain Significance.

NM_001080517.3(SETD5):c.2957C>T (p.Ala986Val)

Gene: SETD5 (SET domain containing 5; plus strand). Cytogenetic location: 3p25.3.
Variant type: single nucleotide variant.
Coding change: c.2957C>T on transcript NM_001080517.3 (MANE Select); coding-DNA position 2957, C replaced by T.
Protein change: p.Ala986Val; replaces alanine 986 with valine.
Molecular consequence: missense variant.
Genome position (GRCh38, 1-based): chr3:9,470,691, C>T. VCF-style: chr3-9470691-C-T. GRCh37 (hg19) VCF-style: chr3-9512375-C-T.
Other names: c.2663C>T, p.Ala888Val (NM_001292043.2, NM_001349451.2); short protein forms A888V, A986V.
Identifiers: ClinVar variation 3702866 (VCV003702866.2).
Genomic context (GRCh38, chr3:9,470,691, plus strand): 5'-ATCAGACCCTCGTGAGAAACTCAGACCAGGCATTTCGGACAGAGTTCAACTTGATGTATG[C>T]CTACTCCCCTTTGAATGCTATGCCTCGAGCAGATGGACTGTATCGAGGATCTCCTCTAGT-3'
Protein context (NP_001073986.1, residues 976-996): AFRTEFNLMY[Ala986Val]YSPLNAMPRA